The following is an entry in ClinVar:

ClinVar aggregate classification (germline): Pathogenic (1 of 4 stars; one submission).

Conditions:
Congenital lipoid adrenal hyperplasia due to STAR deficency. Also called: Lipoid adrenal hyperplasia; Congenital Lipoid Adrenal Hyperplasia; Cholesterol monooxygenase (side-chain cleaving) deficiency; ADRENAL HYPERPLASIA I. Identifiers: Orphanet 418, Orphanet 90790, MedGen C0342474, MONDO:0008725, OMIM 201710.

Submission:

Myriad Genetics, Inc.
Classification: Pathogenic for Congenital lipoid adrenal hyperplasia due to STAR deficency. Last evaluated: 2026-04-13. Review status: criteria provided, single submitter. Criteria: Myriad Autosomal Dominant, Autosomal Recessive and X-Linked Classification Criteria (2023). Collection method: clinical testing. Allele origin: unknown.
Comment: NM_000349.2(STAR):c.686delC(P229Rfs*92) is a readthrough frameshift variant classified as pathogenic in the context of lipoid congenital adrenal hyperplasia. P229Rfs*92 has not been observed in cases with relevant disease. Relevant functional assessments of this variant are not available in the literature. P229Rfs*92 has not been observed in referenced population frequency databases. In summary, NM_000349.2(STAR):c.686delC(P229Rfs*92) is a readthrough frameshift variant in a gene where loss of function is a known mechanism of disease and is predicted to disrupt protein function. Please note: this variant was assessed in the context of healthy population screening.

NM_000349.3(STAR):c.686del (p.Pro229fs)

Gene: STAR (steroidogenic acute regulatory protein; minus strand). Cytogenetic location: 8p11.23.
Variant type: Deletion.
Coding change: c.686del on transcript NM_000349.3 (MANE Select); coding-DNA position 686, one base deleted (C; older notation c.686delC).
Protein change: p.Pro229fs; shifts the reading frame from proline 229.
Molecular consequence: frameshift variant.
Genome position (GRCh38, 1-based): chr8:38,145,280, G deleted on the plus strand (C on the coding strand, the reverse complement: STAR is on the minus strand); the first of 3 consecutive G bases (chr8:38,145,280-38,145,282); deleting any one gives the same sequence. VCF-style (leftmost placement, unchanged base first): chr8-38145279-CG-C. GRCh37 (hg19) VCF-style: chr8-38002797-CG-C.
Other names: short protein forms P229fs.
Identifiers: ClinVar variation 5004584 (VCV005004584.1).